The following is an entry in ClinVar:

ClinVar aggregate classification (germline): Pathogenic (1 of 4 stars; one submission).

gnomAD v4.1: 1 of 1,614,024 alleles (0.000062%); highest among the groups gnomAD compares: Non-Finnish European, 0.000085%; no homozygotes.

Submission:

Labcorp Genetics (formerly Invitae), Labcorp
Classification: Pathogenic. Last evaluated: 2025-07-16. Review status: criteria provided, single submitter. Criteria: Invitae Variant Classification Sherloc (09022015). Collection method: clinical testing. Allele origin: germline.
Comment: This sequence change creates a premature translational stop signal (p.Glu33*) in the DNASE1L3 gene. It is expected to result in an absent or disrupted protein product. Loss-of-function variants in DNASE1L3 are known to be pathogenic (PMID: 24206041, 27821515). This variant is not present in population databases (gnomAD no frequency). This variant has not been reported in the literature in individuals affected with DNASE1L3-related conditions. For these reasons, this variant has been classified as Pathogenic.

Literature cited by the submitters: PubMed 24206041; PubMed 27821515.

NM_004944.4(DNASE1L3):c.97G>T (p.Glu33Ter)

Gene: DNASE1L3 (deoxyribonuclease 1L3; minus strand). Cytogenetic location: 3p14.3.
Variant type: single nucleotide variant.
Coding change: c.97G>T on transcript NM_004944.4 (MANE Select); coding-DNA position 97, G replaced by T.
Protein change: p.Glu33Ter; replaces glutamic acid 33 with a stop codon.
Molecular consequence: nonsense.
Genome position (GRCh38, 1-based): chr3:58,210,810, C>A on the plus strand (G>T on the coding strand, the complement: DNASE1L3 is on the minus strand). VCF-style: chr3-58210810-C-A. GRCh37 (hg19) VCF-style: chr3-58196537-C-A.
Other names: c.97G>T, p.Glu33Ter (NM_001256560.2); short protein forms E33*.
Identifiers: ClinVar variation 4765688 (VCV004765688.1).